The following is an entry in ClinVar:

NM_199420.4(POLQ):c.7522A>G (p.Met2508Val)

Gene: POLQ (DNA polymerase theta; minus strand). Cytogenetic location: 3q13.33.
Variant type: single nucleotide variant.
Coding change: c.7522A>G on transcript NM_199420.4 (MANE Select); coding-DNA position 7522, A replaced by G.
Protein change: p.Met2508Val; replaces methionine 2508 with valine.
Molecular consequence: missense variant.
Genome position (GRCh38, 1-based): chr3:121,436,143, T>C on the plus strand (A>G on the coding strand, the complement: POLQ is on the minus strand). VCF-style: chr3-121436143-T-C. GRCh37 (hg19) VCF-style: chr3-121154990-T-C.
Other names: short protein forms M2508V.
Identifiers: ClinVar variation 3308500 (VCV003308500.1).

ClinVar aggregate classification (germline): Uncertain significance (1 of 4 stars; one submission).

gnomAD v4.1: 21 of 1,613,696 alleles (0.0013%); highest among the groups gnomAD compares: Admixed American, 0.0017%; no homozygotes.

Submission:

Ambry Genetics
Classification: Uncertain significance. Last evaluated: 2024-04-26. Review status: criteria provided, single submitter. Criteria: Ambry Variant Classification Scheme 2023. Collection method: clinical testing. Allele origin: germline.
Comment: The p.M2508V variant (also known as c.7522A>G), located in coding exon 28 of the POLQ gene, results from an A to G substitution at nucleotide position 7522. The methionine at codon 2508 is replaced by valine, an amino acid with highly similar properties. This amino acid position is conserved. In addition, this alteration is predicted to be tolerated by in silico analysis. Based on the available evidence, the clinical significance of this variant remains unclear.